The following is an entry in ClinVar:

NM_000062.3(SERPING1):c.771_774delinsTCATCAACTGTTGATGAG (p.Asn258fs)

Gene: SERPING1 (serpin family G member 1; plus strand). Cytogenetic location: 11q12.1.
Variant type: Indel.
Coding change: c.771_774delinsTCATCAACTGTTGATGAG on transcript NM_000062.3 (MANE Select); coding-DNA positions 771 to 774, CAAC replaced by TCATCAACTGTTGATGAG.
Protein change: p.Asn258fs; shifts the reading frame from asparagine 258.
Molecular consequence: frameshift variant.
Genome position (GRCh38, 1-based): chr11:57,606,095-57,606,098, CAAC replaced by TCATCAACTGTTGATGAG. VCF-style: chr11-57606095-CAAC-TCATCAACTGTTGATGAG. GRCh37 (hg19) VCF-style: chr11-57373568-CAAC-TCATCAACTGTTGATGAG.
Other names: c.771_774delinsTCATCAACTGTTGATGAG, p.Asn258fs (NM_001032295.2); short protein forms N258fs.
Identifiers: ClinVar variation 3340462 (VCV003340462.2).

ClinVar aggregate classification (germline): Pathogenic (1 of 4 stars; one submission).

Conditions:
Hereditary angioedema type 1 (HAE1). Identifiers: Orphanet 100050, Orphanet 100051, Orphanet 91378, MedGen C2717906, MONDO:0015053, OMIM 106100.

Submission:

DNA-diagnostics Laboratory, Research Centre For Medical Genetics
Classification: Pathogenic for Hereditary angioedema type 1. Last evaluated: 2024-08-12. Review status: criteria provided, single submitter. Criteria: ACMG Guidelines, 2015. Collection method: research. Allele origin: paternal. Inheritance: Autosomal dominant inheritance. Affected: yes. Observed: 2 variant alleles, 2 heterozygotes. Clinical features observed: Angioedema (HP:0100665).
Comment: The pathogenic or likely pathogenic SERPING1 gene variants are detected in >90% of the HAE1/2 families and in >80% of the total HAE families (e.g., DOI: 10.1016/j.molimm.2008.05.007, 10.1159/2F000138883, 10.1016/j.molimm.2011.07.010). Across all SERPING1 gene exons, about 50% of the pathogenic or likely pathogenic variants associated with HAE are LoF (173/297 in ClinVar or 292/596 in HGMD 2022.1). In our study, the heterozygous c.771_774delinsTCATCAACTGTTGATGAG (p.Asn258Hisfs*26) variant in SERPING1 was observed in 1 HAE family and segregated with the disease in 2 siblings. In summary, the c.771_774delinsTCATCAACTGTTGATGAG variant in SERPING1 meets ACMG/ClinGen SVI guidance criteria to be classified as pathogenic: PVS1, PP4_Mod, PM2_Sup, PP1